The following is an entry in ClinVar:

ClinVar aggregate classification (germline): Uncertain significance (1 of 4 stars; one submission).

gnomAD v4.1: 1 of 1,614,192 alleles (0.000062%); highest among the groups gnomAD compares: Admixed American, 0.0017%; no homozygotes.

Submission:

Labcorp Genetics (formerly Invitae), Labcorp
Classification: Uncertain significance. Last evaluated: 2025-08-10. Review status: criteria provided, single submitter. Criteria: Invitae Variant Classification Sherloc (09022015). Collection method: clinical testing. Allele origin: germline.
Comment: This sequence change replaces phenylalanine, which is neutral and non-polar, with leucine, which is neutral and non-polar, at codon 374 of the WFS1 protein (p.Phe374Leu). This variant is present in population databases (no rsID available, gnomAD 0.003%). This variant has not been reported in the literature in individuals affected with WFS1-related conditions. ClinVar contains an entry for this variant (Variation ID: 1966944). Invitae Evidence Modeling of protein sequence and biophysical properties (such as structural, functional, and spatial information, amino acid conservation, physicochemical variation, residue mobility, and thermodynamic stability) indicates that this missense variant is not expected to disrupt WFS1 protein function with a negative predictive value of 95%. In summary, the available evidence is currently insufficient to determine the role of this variant in disease. Therefore, it has been classified as a Variant of Uncertain Significance.

NM_006005.3(WFS1):c.1122C>A (p.Phe374Leu)

Gene: WFS1 (wolframin ER transmembrane glycoprotein; plus strand). Cytogenetic location: 4p16.1.
Variant type: single nucleotide variant.
Coding change: c.1122C>A on transcript NM_006005.3 (MANE Select); coding-DNA position 1122, C replaced by A.
Protein change: p.Phe374Leu; replaces phenylalanine 374 with leucine.
Molecular consequence: missense variant.
Genome position (GRCh38, 1-based): chr4:6,300,917, C>A. VCF-style: chr4-6300917-C-A. GRCh37 (hg19) VCF-style: chr4-6302644-C-A.
Other names: c.1122C>A, p.Phe374Leu (NM_001145853.1); short protein forms F374L.
Identifiers: ClinVar variation 1966944 (VCV001966944.5), dbSNP rs1235126935, ClinGen allele CA356174303.